The following is an entry in ClinVar:

ClinVar aggregate classification (germline): Conflicting classifications of pathogenicity. Review status: criteria provided, conflicting classifications (1 of 4 stars). 7 submissions from 7 submitters: Uncertain significance (3); Benign (1); Likely benign (2). 1 of the submissions does not count toward it. Last evaluated 2026-02-01.

Conditions:
Inborn genetic diseases. Identifiers: MedGen C0950123, MeSH D030342.
Nephronophthisis 15 (NPHP15). Identifiers: Orphanet 3156, MedGen C3541853, MONDO:0013917, OMIM 614845.
CEP164-related disorder. Also called: CEP164-related condition.

Allele frequency attached by ClinVar (database versions not stated): gnomAD exomes 0.00031; gnomAD 0.00110 and 0.00100; ESP Exome Variant Server 0.00139; 1000 Genomes Project 30x 0.00078; ExAC 0.00029; 1000 Genomes Project 0.00100; TOPMed 0.00121.
gnomAD v4.1: 357 of 1,614,198 alleles (0.022%); highest among the groups gnomAD compares: African/African-American, 0.39%; no homozygotes.

Submissions (7):

Labcorp Genetics (formerly Invitae), Labcorp
Classification: Likely benign for Nephronophthisis 15. Last evaluated: 2026-02-01. Review status: criteria provided, single submitter. Criteria: Invitae Variant Classification Sherloc (09022015). Collection method: clinical testing. Allele origin: germline.

Genetic Services Laboratory, University of Chicago
Classification: Uncertain significance. Last evaluated: 2025-06-26. Review status: criteria provided, single submitter. Criteria: ACMG Guidelines, 2015. Collection method: clinical testing. Allele origin: germline.
Comment: DNA sequence analysis of the CEP164 gene demonstrated a sequence change, c.3332G>A, in exon 27 that results in an amino acid change, p.Arg1111His. This sequence change has been described in the gnomAD database with a frequency of 0.43% in the African/African American subpopulation (dbSNP rs61740738). The p.Arg1111His change affects a moderately conserved amino acid residue located in a domain of the CEP164 protein that is not known to be functional. In-silico pathogenicity prediction tools (SIFT, PolyPhen2, Align GVGD, REVEL) provide contradictory results for the p.Arg1111His substitution. This sequence change does not appear to have been previously described in individuals with CEP164-related disorders. Due to insufficient evidences and the lack of functional studies, the clinical significance of the p.Arg1111His change remains unknown at this time.

GeneDx
Classification: Uncertain significance. Last evaluated: 2025-06-12. Review status: criteria provided, single submitter. Criteria: GeneDx Variant Classification Process June 2021. Collection method: clinical testing. Allele origin: germline.
Comment: In silico analysis supports that this missense variant has a deleterious effect on protein structure/function; Has not been previously published as pathogenic or benign to our knowledge

Blueprint Genetics
Classification: Benign. Last evaluated: 2024-10-08. Review status: criteria provided, single submitter. Criteria: ACMG Guidelines, 2015. Collection method: clinical testing. Allele origin: germline.

Ambry Genetics
Classification: Uncertain significance for Inborn genetic diseases. Last evaluated: 2022-10-03. Review status: criteria provided, single submitter. Criteria: Ambry Variant Classification Scheme 2023. Collection method: clinical testing. Allele origin: germline.

Breakthrough Genomics
Classification: Likely benign. Review status: criteria provided, single submitter. Criteria: ACMG Guidelines, 2015. Collection method: not provided. Allele origin: germline. Inheritance: Autosomal recessive inheritance. Affected: yes.

PreventionGenetics, part of Exact Sciences
Classification: Likely benign for CEP164-related condition. Last evaluated: 2020-04-02. Review status: no assertion criteria provided. Collection method: clinical testing. Allele origin: germline. Not counted in ClinVar's aggregate classification.
Comment: This variant is classified as likely benign based on ACMG/AMP sequence variant interpretation guidelines (Richards et al. 2015 PMID: 25741868, with internal and published modifications).

NM_014956.5(CEP164):c.3332G>A (p.Arg1111His)

Gene: CEP164 (centrosomal protein 164; plus strand). Cytogenetic location: 11q23.3.
Variant type: single nucleotide variant.
Coding change: c.3332G>A on transcript NM_014956.5 (MANE Select); coding-DNA position 3332, G replaced by A.
Protein change: p.Arg1111His; replaces arginine 1111 with histidine.
Molecular consequence: missense variant.
Genome position (GRCh38, 1-based): chr11:117,397,144, G>A. VCF-style: chr11-117397144-G-A. GRCh37 (hg19) VCF-style: chr11-117267860-G-A.
Other names: c.3341G>A, p.Arg1114His (NM_001271933.2); short protein forms R1114H, R1111H.
Identifiers: ClinVar variation 771571 (VCV000771571.20), dbSNP rs61740738, ClinGen allele CA6295423.